The following is an entry in ClinVar:

NM_001374828.1(ARID1B):c.6043G>A (p.Ala2015Thr)

Gene: ARID1B (AT-rich interaction domain 1B; plus strand). Cytogenetic location: 6q25.3.
Variant type: single nucleotide variant.
Coding change: c.6043G>A on transcript NM_001374828.1 (MANE Select); coding-DNA position 6043, G replaced by A.
Protein change: p.Ala2015Thr; replaces alanine 2015 with threonine.
Molecular consequence: missense variant.
Genome position (GRCh38, 1-based): chr6:157,206,815, G>A. VCF-style: chr6-157206815-G-A. GRCh37 (hg19) VCF-style: chr6-157527949-G-A.
Other names: c.5794G>A, p.Ala1932Thr (NM_001346813.1); c.3544G>A, p.Ala1182Thr (NM_001363725.2); c.5923G>A, p.Ala1975Thr (NM_001371656.1, NM_001374820.1); c.5884G>A, p.Ala1962Thr (NM_017519.3); c.5674G>A, p.Ala1892Thr (NM_020732.3); c.5461G>A, p.Ala1821Thr (NM_175863.2); short protein forms A1182T, A1821T, A1892T, A1932T, A1962T, A1975T, A2015T.
Identifiers: ClinVar variation 2657072 (VCV002657072.25), dbSNP rs764671385, ClinGen allele CA4067948.

ClinVar aggregate classification (germline): Likely benign. Review status: criteria provided, multiple submitters, no conflicts (2 of 4 stars). 2 submissions from 2 submitters: Likely benign (2). Last evaluated 2025-12-22.

Allele frequency attached by ClinVar (database versions not stated): TOPMed below 0.00001; ExAC 0.00001; gnomAD 0.00001.
gnomAD v4.1: 22 of 1,613,892 alleles (0.0014%); highest among the groups gnomAD compares: East Asian, 0.0022%; no homozygotes.

Submissions (2):

Labcorp Genetics (formerly Invitae), Labcorp
Classification: Likely benign. Last evaluated: 2025-12-22. Review status: criteria provided, single submitter. Criteria: Invitae Variant Classification Sherloc (09022015). Collection method: clinical testing. Allele origin: germline.

CeGaT Center for Human Genetics Tuebingen
Classification: Likely benign. Last evaluated: 2023-01-01. Review status: criteria provided, single submitter. Criteria: CeGaT Center For Human Genetics Tuebingen Variant Classification Criteria Version 2. Collection method: clinical testing. Allele origin: germline. Affected: yes. Observed: 1 variant allele.
Comment: ARID1B: BP4